The following is an entry in ClinVar:

NM_012082.4(ZFPM2):c.3119G>T (p.Gly1040Val)

Genes: ZFPM2 (zinc finger protein, FOG family member 2; plus strand), ZFPM2-AS1 (ZFPM2 antisense RNA 1; minus strand), LOC126860469 (BRD4-independent group 4 enhancer GRCh37_chr8:106814445-106815644; plus strand). Cytogenetic location: 8q23.1.
Variant type: single nucleotide variant.
Coding change: c.3119G>T on transcript NM_012082.4 (MANE Select); coding-DNA position 3119, G replaced by T.
Protein change: p.Gly1040Val; replaces glycine 1040 with valine.
Molecular consequence: missense variant.
Genome position (GRCh38, 1-based): chr8:105,803,201, G>T. VCF-style: chr8-105803201-G-T. GRCh37 (hg19) VCF-style: chr8-106815429-G-T.
Other names: c.2960G>T, p.Gly987Val (NM_001362836.2); c.2723G>T, p.Gly908Val (NM_001362837.2); short protein forms G1040V, G908V, G987V.
Identifiers: ClinVar variation 4527993 (VCV004527993.1).
Genomic context (GRCh38, chr8:105,803,201, plus strand): 5'-CCTCAAATGGGTGTGCTGCGCTGAAGAAAGATTCTCTGCCATTGTTGCCCAAAAATCGAG[G>T]AATGGTAATAGTGAATGGTGGACTGAAACAAGATGAGAGACCTGCTGCCAACCCACAGCA-3'
Protein context (NP_036214.2, residues 1030-1050): DSLPLLPKNR[Gly1040Val]MVIVNGGLKQ

ClinVar aggregate classification (germline): Uncertain significance (1 of 4 stars; one submission).

Submission:

GeneDx
Classification: Uncertain significance. Last evaluated: 2025-05-02. Review status: criteria provided, single submitter. Criteria: GeneDx Variant Classification Process June 2021. Collection method: clinical testing. Allele origin: germline. Affected: yes.
Comment: Not observed at significant frequency in large population cohorts (gnomAD); In silico analysis supports that this missense variant has a deleterious effect on protein structure/function; Has not been previously published as pathogenic or benign to our knowledge